The following is an entry in ClinVar:

NM_002047.4(GARS1):c.1467+330A>C

Gene: GARS1 (glycyl-tRNA synthetase 1; plus strand). Cytogenetic location: 7p14.3.
Variant type: single nucleotide variant.
Coding change: c.1467+330A>C on transcript NM_002047.4 (MANE Select); 330 bases into the intron after coding-DNA position 1467, A replaced by C.
Molecular consequence: intron variant.
Genome position (GRCh38, 1-based): chr7:30,621,830, A>C. VCF-style: chr7-30621830-A-C. GRCh37 (hg19) VCF-style: chr7-30661446-A-C.
Other names: c.1305+330A>C (NM_001316772.1).
Identifiers: ClinVar variation 668742 (VCV000668742.1), dbSNP rs17159289, ClinGen allele CA12584513.

ClinVar aggregate classification (germline): Benign (1 of 4 stars; one submission).

Allele frequency attached by ClinVar (database versions not stated): 1000 Genomes Project 30x 0.03154; 1000 Genomes Project 0.03155; gnomAD 0.04660 and 0.04918; TOPMed 0.05141.
gnomAD v4.1: 7,188 of 152,310 alleles (4.7%); highest among the groups gnomAD compares: Middle Eastern, 9.5%; 218 homozygotes.

Submission:

GeneDx
Classification: Benign. Last evaluated: 2018-06-19. Review status: criteria provided, single submitter. Criteria: GeneDx Variant Classification (06012015). Collection method: clinical testing. Allele origin: germline. Affected: yes.
Comment: This variant is considered likely benign or benign based on one or more of the following criteria: it is a conservative change, it occurs at a poorly conserved position in the protein, it is predicted to be benign by multiple in silico algorithms, and/or has population frequency not consistent with disease.